The following is an entry in ClinVar:

NM_002291.3(LAMB1):c.176A>G (p.His59Arg)

Gene: LAMB1 (laminin subunit beta 1; minus strand). Cytogenetic location: 7q31.1.
Variant type: single nucleotide variant.
Coding change: c.176A>G on transcript NM_002291.3 (MANE Select); coding-DNA position 176, A replaced by G.
Protein change: p.His59Arg; replaces histidine 59 with arginine.
Molecular consequence: missense variant.
Genome position (GRCh38, 1-based): chr7:108,001,595, T>C on the plus strand (A>G on the coding strand, the complement: LAMB1 is on the minus strand). VCF-style: chr7-108001595-T-C. GRCh37 (hg19) VCF-style: chr7-107642040-T-C.
Other names: short protein forms H59R.
Identifiers: ClinVar variation 2087744 (VCV002087744.4), dbSNP rs2535535680, ClinGen allele CA368888611.
Genomic context (GRCh38, chr7:108,001,595, plus strand): 5'-CGAACCCCGCTCTCAGCCCTCACCTGCAAGTGGCTGACGATACAGTAGGGTTCGGGCTTG[T>C]GCAGCCCGCACGTCGAGGTCACCGAAAGCTTCTGTGCTCGGCCGATGAGAAGGTCGCCCG-3'
Protein context (NP_002282.2, residues 49-69): KLSVTSTCGL[His59Arg]KPEPYCIVSH

ClinVar aggregate classification (germline): Uncertain significance (1 of 4 stars; one submission).

Submission:

Labcorp Genetics (formerly Invitae), Labcorp
Classification: Uncertain significance. Last evaluated: 2022-03-12. Review status: criteria provided, single submitter. Criteria: Invitae Variant Classification Sherloc (09022015). Collection method: clinical testing. Allele origin: germline.
Comment: This sequence change replaces histidine, which is basic and polar, with arginine, which is basic and polar, at codon 59 of the LAMB1 protein (p.His59Arg). In summary, the available evidence is currently insufficient to determine the role of this variant in disease. Therefore, it has been classified as a Variant of Uncertain Significance. Algorithms developed to predict the effect of missense changes on protein structure and function (SIFT, PolyPhen-2, Align-GVGD) all suggest that this variant is likely to be tolerated. This variant has not been reported in the literature in individuals affected with LAMB1-related conditions. This variant is not present in population databases (gnomAD no frequency).